The following is an entry in ClinVar:

ClinVar aggregate classification (germline): Conflicting classifications of pathogenicity. Review status: criteria provided, conflicting classifications (1 of 4 stars). 2 submissions from 2 submitters: Pathogenic (1); Uncertain significance (1). Last evaluated 2023-10-23.

Conditions:
Diamond-Blackfan anemia. Also called: Blackfan Diamond syndrome; Aregenerative anemia chronic congenital; Red cell aplasia, pure hereditary; Congenital hypoplastic anemia; Aase syndrome. Identifiers: Orphanet 124, MedGen C1260899, MeSH D029503, MONDO:0015253, HP:0004810.
Diamond-Blackfan anemia 6 (DBA6). Also called: RPL5-Related Diamond-Blackfan Anemia. Identifiers: Orphanet 124, MedGen C2931850, MONDO:0012937, OMIM 612561.

Submissions (2):

Labcorp Genetics (formerly Invitae), Labcorp
Classification: Pathogenic for Diamond-Blackfan anemia. Last evaluated: 2023-10-23. Review status: criteria provided, single submitter. Criteria: Invitae Variant Classification Sherloc (09022015). Collection method: clinical testing. Allele origin: germline.
Comment: This sequence change affects codon 24 of the RPL5 mRNA. It is a 'silent' change, meaning that it does not change the encoded amino acid sequence of the RPL5 protein. It affects a nucleotide within the consensus splice site. This variant is not present in population databases (gnomAD no frequency). This variant has been observed in individual(s) with clinical features of Diamond-Blackfan anemia (Invitae). In at least one individual the variant was observed to be de novo. ClinVar contains an entry for this variant (Variation ID: 2018732). Algorithms developed to predict the effect of sequence changes on RNA splicing suggest that this variant may disrupt the consensus splice site. For these reasons, this variant has been classified as Pathogenic.

Revvity Omics, Revvity
Classification: Uncertain significance for Diamond-Blackfan anemia 6. Last evaluated: 2022-08-05. Review status: criteria provided, single submitter. Criteria: ACMG Guidelines, 2015. Collection method: clinical testing. Allele origin: germline.

NM_000969.5(RPL5):c.72A>G (p.Arg24=)

Genes: DIPK1A (divergent protein kinase domain 1A; minus strand), RPL5 (ribosomal protein L5; plus strand). Cytogenetic location: 1p22.1.
Variant type: single nucleotide variant.
Coding change: c.72A>G on transcript NM_000969.5 (MANE Select); coding-DNA position 72, A replaced by G.
Protein change: p.Arg24=; no amino-acid change (arginine 24 retained).
Molecular consequence: synonymous variant. On other transcripts: non-coding transcript variant (1), intron variant (1).
Genome position (GRCh38, 1-based): chr1:92,833,457, A>G. VCF-style: chr1-92833457-A-G. GRCh37 (hg19) VCF-style: chr1-93299014-A-G.
Other names: c.475-423T>C (NM_001252273.2).
Identifiers: ClinVar variation 2018732 (VCV002018732.7), dbSNP rs2524447810, ClinGen allele CA418788749.